The following is an entry in ClinVar:

ClinVar aggregate classification (germline): Uncertain significance (1 of 4 stars; one submission).

Submission:

GeneDx
Classification: Uncertain significance. Last evaluated: 2022-11-25. Review status: criteria provided, single submitter. Criteria: GeneDx Variant Classification Process June 2021. Collection method: clinical testing. Allele origin: germline. Affected: yes.
Comment: Not observed at significant frequency in large population cohorts (gnomAD); In silico analysis suggests that this missense variant does not alter protein structure/function, but splice predictors indicate that the variant may lead to abnormal gene splicing; Has not been previously published as pathogenic or benign to our knowledge

NM_001005273.3(CHD3):c.4670C>G (p.Thr1557Ser)

Gene: CHD3 (chromodomain helicase DNA binding protein 3; plus strand). Cytogenetic location: 17p13.1.
Variant type: single nucleotide variant.
Coding change: c.4670C>G on transcript NM_001005273.3 (MANE Select); coding-DNA position 4670, C replaced by G.
Protein change: p.Thr1557Ser; replaces threonine 1557 with serine.
Molecular consequence: missense variant.
Genome position (GRCh38, 1-based): chr17:7,907,129, C>G. VCF-style: chr17-7907129-C-G. GRCh37 (hg19) VCF-style: chr17-7810447-C-G.
Other names: c.4847C>G, p.Thr1616Ser (NM_001005271.3); c.4670C>G, p.Thr1557Ser (NM_005852.4); short protein forms T1557S, T1616S.
Identifiers: ClinVar variation 2503164 (VCV002503164.1), dbSNP rs2545090382, ClinGen allele CA397946857.
Genomic context (GRCh38, chr17:7,907,129, plus strand): 5'-GAGCCAGGAGTCAGGGCGGGAGAATCTCTGTCTTTATCACTGTGCCTTCCCCTGCAGCTA[C>G]TCCAGCTCCAAGTGAGAAAGGAGAAGGCATAAGGACACCTCTTGAGAAGGAGGAAGCTGA-3'
Protein context (NP_001005273.1, residues 1547-1567): TNSPCTSKPA[Thr1557Ser]PAPSEKGEGI